The following is an entry in ClinVar:

ClinVar aggregate classification (germline): Uncertain significance (1 of 4 stars; one submission).

Conditions:
Pyridoxine-dependent epilepsy (EPEO4). Also called: Pyridoxine-Dependent Seizures; Pyridoxine-Dependent Epilepsy - ALDH7A1; PYRIDOXINE DEPENDENCY WITH SEIZURES; EPILEPSY, EARLY-ONSET, 4, VITAMIN B6-DEPENDENT. Identifiers: Orphanet 3006, MedGen C1849508, MONDO:0009945, OMIM 266100. Disease mechanism: loss of function.

Submission:

Labcorp Genetics (formerly Invitae), Labcorp
Classification: Uncertain significance for Pyridoxine-dependent epilepsy. Last evaluated: 2022-06-25. Review status: criteria provided, single submitter. Criteria: Invitae Variant Classification Sherloc (09022015). Collection method: clinical testing. Allele origin: germline.
Comment: This sequence change falls in intron 11 of the ALDH7A1 gene. It does not directly change the encoded amino acid sequence of the ALDH7A1 protein. It affects a nucleotide within the consensus splice site. This variant is not present in population databases (gnomAD no frequency). This variant has been observed in individual(s) with clinical features of pyridoxine-dependent epilepsy (Invitae). Variants that disrupt the consensus splice site are a relatively common cause of aberrant splicing (PMID: 17576681, 9536098). Algorithms developed to predict the effect of sequence changes on RNA splicing suggest that this variant may disrupt the consensus splice site. In summary, the available evidence is currently insufficient to determine the role of this variant in disease. Therefore, it has been classified as a Variant of Uncertain Significance.

Literature cited by the submitters: PubMed 17576681; PubMed 9536098.

NM_001182.5(ALDH7A1):c.1008+6T>A

Gene: ALDH7A1 (aldehyde dehydrogenase 7 family member A1; minus strand). Cytogenetic location: 5q23.2.
Variant type: single nucleotide variant.
Coding change: c.1008+6T>A on transcript NM_001182.5 (MANE Select); 6 bases into the intron after coding-DNA position 1008, T replaced by A.
Molecular consequence: intron variant.
Genome position (GRCh38, 1-based): chr5:126,559,234, A>T on the plus strand (T>A on the coding strand, the complement: ALDH7A1 is on the minus strand). VCF-style: chr5-126559234-A-T. GRCh37 (hg19) VCF-style: chr5-125894926-A-T.
Other names: c.1008+6T>A (NM_001202404.2); c.924+6T>A (NM_001201377.2).
Identifiers: ClinVar variation 2169088 (VCV002169088.1), dbSNP rs1750307589, ClinGen allele CA1580446964.
Genomic context (GRCh38, chr5:126,559,234, plus strand): 5'-CAGCAGAACTCATTAAAAAGTAGTGTTTTAAGAGCAAGACAATCGGGCCTATGCAGATAT[A>T]CTCACCAGTCGCCTCGCAGTGGTACACCTCTGGCCAGCTGTTCCCACAGCAGCGAAGAGA-3'